The following is an entry in ClinVar:

NM_181486.4(TBX5):c.221T>C (p.Met74Thr)

Gene: TBX5 (T-box transcription factor 5; minus strand). Cytogenetic location: 12q24.21.
Variant type: single nucleotide variant.
Coding change: c.221T>C on transcript NM_181486.4 (MANE Select); coding-DNA position 221, T replaced by C.
Protein change: p.Met74Thr; replaces methionine 74 with threonine.
Molecular consequence: missense variant.
Genome position (GRCh38, 1-based): chr12:114,401,847, A>G on the plus strand (T>C on the coding strand, the complement: TBX5 is on the minus strand). VCF-style: chr12-114401847-A-G. GRCh37 (hg19) VCF-style: chr12-114839652-A-G.
Other names: c.221T>C, p.Met74Thr (NM_000192.3); c.71T>C, p.Met24Thr (NM_080717.4); short protein forms M24T, M74T.
Identifiers: ClinVar variation 4865363 (VCV004865363.1).

ClinVar aggregate classification (germline): Uncertain significance (1 of 4 stars; one submission).

Conditions:
Cardiovascular phenotype. Identifiers: MedGen CN230736.

Submission:

Ambry Genetics
Classification: Uncertain significance for Cardiovascular phenotype. Last evaluated: 2026-06-12. Review status: criteria provided, single submitter. Criteria: Ambry Variant Classification Scheme 2023. Collection method: clinical testing. Allele origin: germline.
Comment: The p.M74T variant (also known as c.221T>C), located in coding exon 2 of the TBX5 gene, results from a T to C substitution at nucleotide position 221. The methionine at codon 74 is replaced by threonine, an amino acid with similar properties. This amino acid position is conserved. In addition, this alteration is predicted to be deleterious by in silico analysis. Based on the available evidence, the clinical significance of this variant remains unclear.